The following is an entry in ClinVar:

NM_000095.3(COMP):c.2089G>A (p.Val697Met)

Gene: COMP (cartilage oligomeric matrix protein; minus strand). Cytogenetic location: 19p13.11.
Variant type: single nucleotide variant.
Coding change: c.2089G>A on transcript NM_000095.3 (MANE Select); coding-DNA position 2089, G replaced by A.
Protein change: p.Val697Met; replaces valine 697 with methionine.
Molecular consequence: missense variant.
Genome position (GRCh38, 1-based): chr19:18,783,192, C>T on the plus strand (G>A on the coding strand, the complement: COMP is on the minus strand). VCF-style: chr19-18783192-C-T. GRCh37 (hg19) VCF-style: chr19-18894002-C-T.
Other names: short protein forms V697M.
Identifiers: ClinVar variation 2132645 (VCV002132645.4), dbSNP rs2512843094, ClinGen allele CA404875174.

ClinVar aggregate classification (germline): Uncertain significance (1 of 4 stars; one submission).

Submission:

Labcorp Genetics (formerly Invitae), Labcorp
Classification: Uncertain significance. Last evaluated: 2022-05-03. Review status: criteria provided, single submitter. Criteria: Invitae Variant Classification Sherloc (09022015). Collection method: clinical testing. Allele origin: germline.
Comment: In summary, the available evidence is currently insufficient to determine the role of this variant in disease. Therefore, it has been classified as a Variant of Uncertain Significance. Algorithms developed to predict the effect of missense changes on protein structure and function are either unavailable or do not agree on the potential impact of this missense change (SIFT: "Deleterious"; PolyPhen-2: "Probably Damaging"; Align-GVGD: "Class C0"). This variant has not been reported in the literature in individuals affected with COMP-related conditions. This variant is not present in population databases (gnomAD no frequency). This sequence change replaces valine, which is neutral and non-polar, with methionine, which is neutral and non-polar, at codon 697 of the COMP protein (p.Val697Met).